The following is an entry in ClinVar:

NC_000002.12:g.(?_214728666)_(214730518_?)dup

Gene: BARD1 (BRCA1 associated RING domain 1; minus strand). Cytogenetic location: 2q35.
Variant type: Duplication.
Identifiers: ClinVar variation 830554 (VCV000830554.3).

ClinVar aggregate classification (germline): Uncertain significance (1 of 4 stars; one submission).

Conditions:
Familial cancer of breast. Also called: BREAST CANCER, FAMILIAL; Hereditary breast cancer; hereditary breast carcinoma. Identifiers: Orphanet 227535, MedGen C0346153, MONDO:0016419, OMIM 114480. Disease mechanism: loss of function.

Submission:

Labcorp Genetics (formerly Invitae), Labcorp
Classification: Uncertain significance for Familial cancer of breast. Last evaluated: 2019-07-14. Review status: criteria provided, single submitter. Criteria: Invitae Variant Classification Sherloc (09022015). Collection method: clinical testing. Allele origin: germline.
Comment: This variant results in a copy number gain of the genomic region encompassing exons 10-11 of the BARD1 gene. The 5' boundary is likely confined to intron 9. The 3' end of this event is unknown as it extends beyond the assayed region for this gene and therefore may encompass additional genes. As the precise location of this event is unknown, it may be in tandem or it may be located elsewhere in the genome. Gross duplications have not been reported in the literature in individuals with BARD1-related conditions. Experimental studies and prediction algorithms are not available for this variant, and the functional significance of this duplication is currently unknown. In summary, the available evidence is currently insufficient to determine the role of this variant in disease. Therefore, it has been classified as a Variant of Uncertain Significance.